The following is an entry in ClinVar:

ClinVar aggregate classification (germline): Uncertain significance (1 of 4 stars; one submission).

Allele frequency attached by ClinVar (database versions not stated): ExAC 0.00001.
gnomAD v4.1: 4 of 1,614,198 alleles (0.00025%); highest among the groups gnomAD compares: Non-Finnish European, 0.00034%; no homozygotes.

Submission:

Labcorp Genetics (formerly Invitae), Labcorp
Classification: Uncertain significance. Last evaluated: 2021-12-26. Review status: criteria provided, single submitter. Criteria: Invitae Variant Classification Sherloc (09022015). Collection method: clinical testing. Allele origin: germline.
Comment: This sequence change replaces aspartic acid, which is acidic and polar, with histidine, which is basic and polar, at codon 137 of the LOXL3 protein (p.Asp137His). This variant is present in population databases (rs759306602, gnomAD 0.0009%). This variant has not been reported in the literature in individuals affected with LOXL3-related conditions. Algorithms developed to predict the effect of missense changes on protein structure and function are either unavailable or do not agree on the potential impact of this missense change (SIFT: "Deleterious"; PolyPhen-2: "Probably Damaging"; Align-GVGD: "Class C0"). In summary, the available evidence is currently insufficient to determine the role of this variant in disease. Therefore, it has been classified as a Variant of Uncertain Significance.

NM_032603.5(LOXL3):c.409G>C (p.Asp137His)

Genes: DOK1 (docking protein 1; plus strand), LOXL3 (lysyl oxidase like 3; minus strand). Cytogenetic location: 2p13.1.
Variant type: single nucleotide variant.
Coding change: c.409G>C on transcript NM_032603.5 (MANE Select); coding-DNA position 409, G replaced by C.
Protein change: p.Asp137His; replaces aspartic acid 137 with histidine.
Molecular consequence: missense variant. On other transcripts: intron variant (1).
Genome position (GRCh38, 1-based): chr2:74,550,253, C>G on the plus strand (G>C on the coding strand, the complement: LOXL3 is on the minus strand). VCF-style: chr2-74550253-C-G. GRCh37 (hg19) VCF-style: chr2-74777380-C-G.
Other names: c.409G>C, p.Asp137His (NM_001289164.3); c.-358+1081C>G (NM_001197260.2); short protein forms D137H.
Identifiers: ClinVar variation 2061565 (VCV002061565.1), dbSNP rs759306602, ClinGen allele CA1729192.